The following is an entry in ClinVar:

NM_005733.3(KIF20A):c.1396C>T (p.Arg466Ter)

Gene: KIF20A (kinesin family member 20A; plus strand). Cytogenetic location: 5q31.2.
Variant type: single nucleotide variant.
Coding change: c.1396C>T on transcript NM_005733.3 (MANE Select); coding-DNA position 1396, C replaced by T.
Protein change: p.Arg466Ter; replaces arginine 466 with a stop codon.
Molecular consequence: nonsense.
Genome position (GRCh38, 1-based): chr5:138,184,282, C>T. VCF-style: chr5-138184282-C-T. GRCh37 (hg19) VCF-style: chr5-137519971-C-T.
Other names: short protein forms R466*.
Identifiers: ClinVar variation 4764839 (VCV004764839.1).
Genomic context (GRCh38, chr5:138,184,282, plus strand): 5'-CTCTGATTCTCTGCCAGGTCAAAGCAGAACCTGGTTCCCTTCCGTGACAGCAAGTTGACT[C>T]GAGTGTTCCAAGGTTTCTTCACAGGCCGAGGCCGTTCCTGCATGATTGTCAATGTGAATC-3'

ClinVar aggregate classification (germline): Uncertain significance (1 of 4 stars; one submission).

Submission:

Labcorp Genetics (formerly Invitae), Labcorp
Classification: Uncertain significance. Last evaluated: 2025-08-11. Review status: criteria provided, single submitter. Criteria: Invitae Variant Classification Sherloc (09022015). Collection method: clinical testing. Allele origin: germline.
Comment: This sequence change creates a premature translational stop signal (p.Arg466*) in the KIF20A gene. It is expected to result in an absent or disrupted protein product. However, the current clinical and genetic evidence is not sufficient to establish whether loss-of-function variants in KIF20A cause disease. This variant is not present in population databases (gnomAD no frequency). This variant has not been reported in the literature in individuals affected with KIF20A-related conditions. In summary, the available evidence is currently insufficient to determine the role of this variant in disease. Therefore, it has been classified as a Variant of Uncertain Significance.